The following is an entry in ClinVar:

NM_005921.2(MAP3K1):c.634-3C>A

Gene: MAP3K1 (mitogen-activated protein kinase kinase kinase 1; plus strand). Cytogenetic location: 5q11.2.
Variant type: single nucleotide variant.
Coding change: c.634-3C>A on transcript NM_005921.2 (MANE Select); 3 bases into the intron before coding-DNA position 634, C replaced by A.
Molecular consequence: intron variant.
Genome position (GRCh38, 1-based): chr5:56,859,712, C>A. VCF-style: chr5-56859712-C-A. GRCh37 (hg19) VCF-style: chr5-56155539-C-A.
Identifiers: ClinVar variation 4806922 (VCV004806922.1).

ClinVar aggregate classification (germline): Uncertain significance (1 of 4 stars; one submission).

Conditions:
46,XY sex reversal 6. Also called: 46,XY GONADAL DYSGENESIS, PARTIAL OR COMPLETE, MAP3K1-RELATED; 46,XY SEX REVERSAL, PARTIAL OR COMPLETE, MAP3K1-RELATED. Identifiers: MedGen C3151064, MONDO:0013410, OMIM 613762.

gnomAD v4.1: 1 of 1,609,570 alleles (0.000062%); highest among the groups gnomAD compares: South Asian, 0.0011%; no homozygotes.

Submission:

Labcorp Genetics (formerly Invitae), Labcorp
Classification: Uncertain significance for 46,XY sex reversal 6. Last evaluated: 2025-06-22. Review status: criteria provided, single submitter. Criteria: Invitae Variant Classification Sherloc (09022015). Collection method: clinical testing. Allele origin: germline.
Comment: This sequence change falls in intron 2 of the MAP3K1 gene. It does not directly change the encoded amino acid sequence of the MAP3K1 protein. It affects a nucleotide within the consensus splice site. This variant is not present in population databases (gnomAD no frequency). This variant has not been reported in the literature in individuals affected with MAP3K1-related conditions. Variants that disrupt the consensus splice site are a relatively common cause of aberrant splicing (PMID: 17576681, 9536098). Algorithms developed to predict the effect of sequence changes on RNA splicing suggest that this variant may disrupt the consensus splice site. In summary, the available evidence is currently insufficient to determine the role of this variant in disease. Therefore, it has been classified as a Variant of Uncertain Significance.

Literature cited by the submitters: PubMed 17576681; PubMed 9536098.